The following is an entry in ClinVar:

ClinVar aggregate classification (germline): Uncertain significance. Review status: criteria provided, multiple submitters, no conflicts (2 of 4 stars). 3 submissions from 3 submitters: Uncertain significance (3). Last evaluated 2025-08-09.

Conditions:
Seizures, benign familial infantile, 3 (BFIS3). Also called: Familial neonatal seizures; CONVULSIONS, BENIGN FAMILIAL INFANTILE, 3. Identifiers: Orphanet 140927, Orphanet 306, MedGen C1843140, MONDO:0011904, OMIM 607745.
Developmental and epileptic encephalopathy, 11 (DEE11). Also called: Early infantile epileptic encephalopathy 11. Identifiers: Orphanet 1934, MedGen C3150987, MONDO:0013388, OMIM 613721.

Allele frequency attached by ClinVar (database versions not stated): gnomAD exomes below 0.00001; TOPMed 0.00001.
gnomAD v4.1: 3 of 1,613,934 alleles (0.00019%); highest among the groups gnomAD compares: African/African-American, 0.004%; no homozygotes.

Submissions (3):

GeneDx
Classification: Uncertain significance. Last evaluated: 2025-08-09. Review status: criteria provided, single submitter. Criteria: GeneDx Variant Classification Process June 2021. Collection method: clinical testing. Allele origin: germline. Affected: yes.
Comment: Not observed at significant frequency in large population cohorts (gnomAD); In silico analysis supports that this missense variant has a deleterious effect on protein structure/function; This substitution is predicted to be within the transmembrane segment S2 of the fourth homologous domain; Has not been previously published as pathogenic or benign to our knowledge

Labcorp Genetics (formerly Invitae), Labcorp
Classification: Uncertain significance for Seizures, benign familial infantile, 3; Developmental and epileptic encephalopathy, 11. Last evaluated: 2024-07-17. Review status: criteria provided, single submitter. Criteria: Invitae Variant Classification Sherloc (09022015). Collection method: clinical testing. Allele origin: germline.
Comment: This sequence change replaces valine, which is neutral and non-polar, with alanine, which is neutral and non-polar, at codon 1579 of the SCN2A protein (p.Val1579Ala). This variant is present in population databases (no rsID available, gnomAD 0.007%). This variant has not been reported in the literature in individuals affected with SCN2A-related conditions. ClinVar contains an entry for this variant (Variation ID: 839176). Advanced modeling of protein sequence and biophysical properties (such as structural, functional, and spatial information, amino acid conservation, physicochemical variation, residue mobility, and thermodynamic stability) has been performed at Invitae for this missense variant, however the output from this modeling did not meet the statistical confidence thresholds required to predict the impact of this variant on SCN2A protein function. In summary, the available evidence is currently insufficient to determine the role of this variant in disease. Therefore, it has been classified as a Variant of Uncertain Significance.

Women's Health and Genetics/Laboratory Corporation of America, LabCorp
Classification: Uncertain significance. Last evaluated: 2023-10-13. Review status: criteria provided, single submitter. Criteria: LabCorp Variant Classification Summary - May 2015. Collection method: clinical testing. Allele origin: germline.
Comment: Variant summary: SCN2A c.4736T>C (p.Val1579Ala) results in a non-conservative amino acid change located in the Ion transport domain (IPR005821) of the encoded protein sequence. Four of five in-silico tools predict a damaging effect of the variant on protein function. The variant allele was found at a frequency of 4e-06 in 251180 control chromosomes (gnomAD). The available data on variant occurrences in the general population are insufficient to allow any conclusion about variant significance. To our knowledge, no occurrence of c.4736T>C in individuals affected with Early Infantile Epileptic Encephalopathy 11 and no experimental evidence demonstrating its impact on protein function have been reported. Two submitters have cited clinical-significance assessments for this variant to ClinVar after 2014. All submitters classified the variant as uncertain significance. Based on the evidence outlined above, the variant was classified as uncertain significance.

NM_001040142.2(SCN2A):c.4736T>C (p.Val1579Ala)

Gene: SCN2A (sodium voltage-gated channel alpha subunit 2; plus strand). Cytogenetic location: 2q24.3.
Variant type: single nucleotide variant.
Coding change: c.4736T>C on transcript NM_001040142.2 (MANE Select); coding-DNA position 4736, T replaced by C.
Protein change: p.Val1579Ala; replaces valine 1579 with alanine.
Molecular consequence: missense variant.
Genome position (GRCh38, 1-based): chr2:165,386,930, T>C. VCF-style: chr2-165386930-T-C. GRCh37 (hg19) VCF-style: chr2-166243440-T-C.
Other names: c.4736T>C, p.Val1579Ala (NM_001040143.2, NM_001371246.1, NM_001371247.1 and 1 more transcripts); short protein forms V1579A.
Identifiers: ClinVar variation 839176 (VCV000839176.14), dbSNP rs1384116109, ClinGen allele CA349036680.